The following is an entry in ClinVar:

ClinVar aggregate classification (germline): Pathogenic (1 of 4 stars; one submission).

Conditions:
Charcot-Marie-Tooth disease axonal type 2V. Also called: CHARCOT-MARIE-TOOTH NEUROPATHY, TYPE 2V; CHARCOT-MARIE-TOOTH DISEASE, AXONAL, AUTOSOMAL DOMINANT, TYPE 2V. Identifiers: Orphanet 447964, MedGen C5569050, MONDO:0014665, OMIM 616491.
Mucopolysaccharidosis, MPS-III-B (MPS3B). Also called: MPS III B; Mucopolysaccharidosis type IIIB (Sanfilippo B); N-ACETYL-ALPHA-D-GLUCOSAMINIDASE DEFICIENCY; NAGLU DEFICIENCY; SANFILIPPO SYNDROME B; MUCOPOLYSACCHARIDOSIS, TYPE IIIB. Identifiers: Orphanet 79270, MedGen C0086648, MONDO:0009656, OMIM 252920.

Allele frequency attached by ClinVar (database versions not stated): gnomAD exomes 0.00001.
gnomAD v4.1: 2 of 1,614,180 alleles (0.00012%); highest among the groups gnomAD compares: South Asian, 0.0022%; no homozygotes.

Submission:

Labcorp Genetics (formerly Invitae), Labcorp
Classification: Pathogenic for Charcot-Marie-Tooth disease axonal type 2V; Mucopolysaccharidosis, MPS-III-B. Last evaluated: 2024-11-07. Review status: criteria provided, single submitter. Criteria: Invitae Variant Classification Sherloc (09022015). Collection method: clinical testing. Allele origin: germline.
Comment: This sequence change creates a premature translational stop signal (p.Gln388*) in the NAGLU gene. While this is not anticipated to result in nonsense mediated decay, it is expected to disrupt the last 356 amino acid(s) of the NAGLU protein. This variant is present in population databases (no rsID available, gnomAD 0.006%). This variant has not been reported in the literature in individuals affected with NAGLU-related conditions. ClinVar contains an entry for this variant (Variation ID: 1075574). Algorithms developed to predict the effect of sequence changes on RNA splicing suggest that this variant may disrupt the consensus splice site. This variant disrupts a region of the NAGLU protein in which other variant(s) (p.Arg626*) have been determined to be pathogenic (PMID: 8650226, 9832037, 10094189). This suggests that this is a clinically significant region of the protein, and that variants that disrupt it are likely to be disease-causing. For these reasons, this variant has been classified as Pathogenic.

Literature cited by the submitters: PubMed 8650226; PubMed 9832037; PubMed 10094189.

NM_000263.4(NAGLU):c.1162C>T (p.Gln388Ter)

Gene: NAGLU (N-acetyl-alpha-glucosaminidase; plus strand). Cytogenetic location: 17q21.2.
Variant type: single nucleotide variant.
Coding change: c.1162C>T on transcript NM_000263.4 (MANE Select); coding-DNA position 1162, C replaced by T.
Protein change: p.Gln388Ter; replaces glutamine 388 with a stop codon.
Molecular consequence: nonsense.
Genome position (GRCh38, 1-based): chr17:42,543,168, C>T. VCF-style: chr17-42543168-C-T. GRCh37 (hg19) VCF-style: chr17-40695186-C-T.
Other names: short protein forms Q388*.
Identifiers: ClinVar variation 1075574 (VCV001075574.9), dbSNP rs879111128, ClinGen allele CA290780186.
Genomic context (GRCh38, chr17:42,543,168, plus strand): 5'-GCTGTGCTGGGAGCTGTGCCCCGTGGCCGCCTCCTGGTTCTGGACCTGTTTGCTGAGAGC[C>T]AGCCTGTGTATACCCGCACTGCCTCCTTCCAGGGCCAGCCCTTCATCTGGTGCATGCTGC-3'